The following is an entry in ClinVar:

ClinVar aggregate classification (germline): Uncertain significance (1 of 4 stars; one submission).

Conditions:
Hereditary spastic paraplegia 11. Also called: Nakamura Osame syndrome; Autosomal recessive hereditary spastic paraplegia, mental impairment, and thin corpus callosum; SPASTIC PARAPLEGIA, AUTOSOMAL RECESSIVE, COMPLICATED, WITH THIN CORPUS CALLOSUM; SPASTIC PARAPLEGIA, AUTOSOMAL RECESSIVE, WITH MENTAL IMPAIRMENT AND THIN CORPUS CALLOSUM; Spastic Paraplegia 11; Spastic paraplegia, mental retardation and thin corpus callosum. Identifiers: Orphanet 2822, MedGen C1858479, MONDO:0011445, OMIM 604360.

Allele frequency attached by ClinVar (database versions not stated): gnomAD exomes below 0.00001.
gnomAD v4.1: 5 of 1,614,154 alleles (0.00031%); highest among the groups gnomAD compares: Non-Finnish European, 0.00042%; no homozygotes.

Submission:

Labcorp Genetics (formerly Invitae), Labcorp
Classification: Uncertain significance for Hereditary spastic paraplegia 11. Last evaluated: 2022-08-19. Review status: criteria provided, single submitter. Criteria: Invitae Variant Classification Sherloc (09022015). Collection method: clinical testing. Allele origin: germline.
Comment: This sequence change replaces leucine, which is neutral and non-polar, with serine, which is neutral and polar, at codon 2100 of the SPG11 protein (p.Leu2100Ser). This variant is not present in population databases (gnomAD no frequency). This variant has not been reported in the literature in individuals affected with SPG11-related conditions. Algorithms developed to predict the effect of missense changes on protein structure and function (SIFT, PolyPhen-2, Align-GVGD) all suggest that this variant is likely to be disruptive. Algorithms developed to predict the effect of sequence changes on RNA splicing suggest that this variant may disrupt the consensus splice site. In summary, the available evidence is currently insufficient to determine the role of this variant in disease. Therefore, it has been classified as a Variant of Uncertain Significance.

NM_025137.4(SPG11):c.6299T>C (p.Leu2100Ser)

Gene: SPG11 (SPG11 vesicle trafficking associated, spatacsin; minus strand). Cytogenetic location: 15q21.1.
Variant type: single nucleotide variant.
Coding change: c.6299T>C on transcript NM_025137.4 (MANE Select); coding-DNA position 6299, T replaced by C.
Protein change: p.Leu2100Ser; replaces leucine 2100 with serine.
Molecular consequence: missense variant.
Genome position (GRCh38, 1-based): chr15:44,572,727, A>G on the plus strand (T>C on the coding strand, the complement: SPG11 is on the minus strand). VCF-style: chr15-44572727-A-G. GRCh37 (hg19) VCF-style: chr15-44864925-A-G.
Other names: c.5960T>C, p.Leu1987Ser (NM_001160227.2); c.6155T>C, p.Leu2052Ser (NM_001411132.1); short protein forms L1987S, L2052S, L2100S.
Identifiers: ClinVar variation 2161961 (VCV002161961.1), dbSNP rs2082448546, ClinGen allele CA392217216.
Genomic context (GRCh38, chr15:44,572,727, plus strand): 5'-AAGGTCAATAACTTACTGCAAGACAGTTCCCCATGGGGAACGGAGGAAATCTTATCCAAC[A>G]ACTTCATGCCTACCAATGTGCGGTCTTGACACAGAGTGGTCAGCTGAAGAAATGTCTGGC-3'
Protein context (NP_079413.3, residues 2090-2110): CQDRTLVGMK[Leu2100Ser]LDKISSVPHG